The following is an entry in ClinVar:

ClinVar aggregate classification (germline): Likely benign. Review status: criteria provided, multiple submitters, no conflicts (2 of 4 stars). 2 submissions from 2 submitters: Likely benign (2). Last evaluated 2026-01-01.

Allele frequency attached by ClinVar (database versions not stated): gnomAD exomes below 0.00001 and 0.00001; ExAC 0.00001; TOPMed 0.00001.
gnomAD v4.1: 11 of 1,614,224 alleles (0.00068%); highest among the groups gnomAD compares: East Asian, 0.0022%; no homozygotes.

Submissions (2):

CeGaT Center for Human Genetics Tuebingen
Classification: Likely benign. Last evaluated: 2026-01-01. Review status: criteria provided, single submitter. Criteria: CeGaT Center For Human Genetics Tuebingen Variant Classification Criteria Version 2. Collection method: clinical testing. Allele origin: germline. Affected: yes. Observed: 1 variant allele.
Comment: TUFM: BP4, BP7

Labcorp Genetics (formerly Invitae), Labcorp
Classification: Likely benign. Last evaluated: 2021-12-02. Review status: criteria provided, single submitter. Criteria: Invitae Variant Classification Sherloc (09022015). Collection method: clinical testing. Allele origin: germline.

NM_003321.5(TUFM):c.984G>C (p.Leu328=)

Gene: TUFM (Tu translation elongation factor, mitochondrial; minus strand). Cytogenetic location: 16p11.2.
Variant type: single nucleotide variant.
Coding change: c.984G>C on transcript NM_003321.5 (MANE Select); coding-DNA position 984, G replaced by C.
Protein change: p.Leu328=; no amino-acid change (leucine 328 retained).
Molecular consequence: synonymous variant.
Genome position (GRCh38, 1-based): chr16:28,844,040, C>G on the plus strand (G>C on the coding strand, the complement: TUFM is on the minus strand). VCF-style: chr16-28844040-C-G. GRCh37 (hg19) VCF-style: chr16-28855361-C-G.
Other names: c.900G>C, p.Leu300= (NM_001365360.2).
Identifiers: ClinVar variation 1564161 (VCV001564161.12), dbSNP rs765090159, ClinGen allele CA7985450.
Genomic context (GRCh38, chr16:28,844,040, plus strand): 5'-GGAACCTGGCTTGACCATGACCAGGCCCCGCCGCAAGTCCTCCCGCTTCAAGCCTCGGAC[C>G]AGGGCCCCGAGGTTATCTCCGGCCTCGGCCCTCTCCAGGCTCTTGTGGAACATCTCAATG-3'
Protein context (NP_003312.3, residues 318-338): RAEAGDNLGA[Leu328=]VRGLKREDLR